The following is an entry in ClinVar:

NM_004385.5(VCAN):c.6476C>T (p.Thr2159Ile)

Genes: VCAN (versican; plus strand), VCAN-AS1 (VCAN antisense RNA 1; minus strand). Cytogenetic location: 5q14.3.
Variant type: single nucleotide variant.
Coding change: c.6476C>T on transcript NM_004385.5 (MANE Select); coding-DNA position 6476, C replaced by T.
Protein change: p.Thr2159Ile; replaces threonine 2159 with isoleucine.
Molecular consequence: missense variant. On other transcripts: intron variant (2).
Genome position (GRCh38, 1-based): chr5:83,539,479, C>T. VCF-style: chr5-83539479-C-T. GRCh37 (hg19) VCF-style: chr5-82835298-C-T.
Other names: c.3515C>T, p.Thr1172Ile (NM_001164097.2); c.4004-6058C>T (NM_001164098.2); c.1043-6058C>T (NM_001126336.3); short protein forms T1172I, T2159I.
Identifiers: ClinVar variation 1935590 (VCV001935590.5), dbSNP rs374880165, ClinGen allele CA3333480.

ClinVar aggregate classification (germline): Uncertain significance (1 of 4 stars; one submission).

Allele frequency attached by ClinVar (database versions not stated): gnomAD exomes below 0.00001; ExAC 0.00001; gnomAD 0.00001; TOPMed 0.00001; ESP Exome Variant Server 0.00008.
gnomAD v4.1: 8 of 1,613,598 alleles (0.0005%); highest among the groups gnomAD compares: South Asian, 0.0011%; no homozygotes.

Submission:

Labcorp Genetics (formerly Invitae), Labcorp
Classification: Uncertain significance. Last evaluated: 2022-08-01. Review status: criteria provided, single submitter. Criteria: Invitae Variant Classification Sherloc (09022015). Collection method: clinical testing. Allele origin: germline.
Comment: This variant is present in population databases (rs374880165, gnomAD 0.003%). In summary, the available evidence is currently insufficient to determine the role of this variant in disease. Therefore, it has been classified as a Variant of Uncertain Significance. Algorithms developed to predict the effect of missense changes on protein structure and function (SIFT, PolyPhen-2, Align-GVGD) all suggest that this variant is likely to be disruptive. This variant has not been reported in the literature in individuals affected with VCAN-related conditions. This sequence change replaces threonine, which is neutral and polar, with isoleucine, which is neutral and non-polar, at codon 2159 of the VCAN protein (p.Thr2159Ile).